The following is an entry in ClinVar:

NM_000059.4(BRCA2):c.1447G>T (p.Ala483Ser)

Gene: BRCA2 (BRCA2 DNA repair associated; plus strand). Cytogenetic location: 13q13.1.
Variant type: single nucleotide variant.
Coding change: c.1447G>T on transcript NM_000059.4 (MANE Select); coding-DNA position 1447, G replaced by T.
Protein change: p.Ala483Ser; replaces alanine 483 with serine.
Molecular consequence: missense variant.
Genome position (GRCh38, 1-based): chr13:32,332,925, G>T. VCF-style: chr13-32332925-G-T. GRCh37 (hg19) VCF-style: chr13-32907062-G-T.
Other names: short protein forms A483S.
Identifiers: ClinVar variation 619799 (VCV000619799.12), dbSNP rs80358432, ClinGen allele CA387764322.

ClinVar aggregate classification (germline): Conflicting classifications of pathogenicity. Review status: criteria provided, conflicting classifications (1 of 4 stars). 6 submissions from 6 submitters: Uncertain significance (4); Likely benign (2). Last evaluated 2024-01-29.

Conditions:
Hereditary breast ovarian cancer syndrome. Also called: Hereditary breast and ovarian cancer; Hereditary breast and ovarian cancer syndrome (HBOC); Hereditary breast and/or ovarian cancer syndrome; Hereditary breast and ovarian cancer syndrome; Breast and ovarian cancer; BRCA1- and BRCA2-Associated Hereditary Breast and Ovarian Cancer. Identifiers: Orphanet 145, MedGen C0677776, MeSH D061325, MONDO:0003582. Disease mechanism: loss of function.
Breast-ovarian cancer, familial, susceptibility to, 2 (BROVCA2). Also called: BRCA2 Hereditary Breast and Ovarian Cancer. Identifiers: Orphanet 145, MedGen C2675520, MONDO:0012933, OMIM 612555. Disease mechanism: loss of function.
Hereditary cancer-predisposing syndrome. Also called: Tumor predisposition; Neoplastic Syndromes, Hereditary; Hereditary Cancer Syndrome; Hereditary neoplastic syndrome. Identifiers: Orphanet 140162, MedGen C0027672, MeSH D009386, MONDO:0015356.

Submissions (6):

Ambry Genetics
Classification: Likely benign for Hereditary cancer-predisposing syndrome. Last evaluated: 2024-01-29. Review status: criteria provided, single submitter. Criteria: Ambry Variant Classification Scheme 2023. Collection method: clinical testing. Allele origin: germline.

All of Us Research Program, National Institutes of Health
Classification: Uncertain significance for Breast-ovarian cancer, familial, susceptibility to, 2. Last evaluated: 2023-06-28. Review status: criteria provided, single submitter. Criteria: ACMG Guidelines, 2015. Collection method: clinical testing. Allele origin: germline. Inheritance: Autosomal dominant inheritance. Observed: 1 variant allele, 1 heterozygote.
Comment: This study involves interpretation of variants in research participants for the purpose of population health screening. Participant phenotype was not available at the time of variant classification. Additional details can be found in publication PMID: 35346344, PMCID: PMC8962531

University of Washington Department of Laboratory Medicine, University of Washington
Classification: Likely benign for Hereditary cancer-predisposing syndrome. Last evaluated: 2023-03-23. Review status: criteria provided, single submitter. Criteria: Dines et al. (Genet Med. 2020). Collection method: curation. Allele origin: germline.
Comment: Missense variant in a coldspot region where missense variants are very unlikely to be pathogenic (PMID:31911673).

BRCA2 exon 10 coldspot. Reclassification based on statistical prior probability.

Labcorp Genetics (formerly Invitae), Labcorp
Classification: Uncertain significance for Hereditary breast ovarian cancer syndrome. Last evaluated: 2023-03-17. Review status: criteria provided, single submitter. Criteria: Invitae Variant Classification Sherloc (09022015). Collection method: clinical testing. Allele origin: germline.
Comment: This sequence change replaces alanine, which is neutral and non-polar, with serine, which is neutral and polar, at codon 483 of the BRCA2 protein (p.Ala483Ser). In summary, the available evidence is currently insufficient to determine the role of this variant in disease. Therefore, it has been classified as a Variant of Uncertain Significance. Advanced modeling of protein sequence and biophysical properties (such as structural, functional, and spatial information, amino acid conservation, physicochemical variation, residue mobility, and thermodynamic stability) performed at Invitae indicates that this missense variant is not expected to disrupt BRCA2 protein function. ClinVar contains an entry for this variant (Variation ID: 619799). This variant has not been reported in the literature in individuals affected with BRCA2-related conditions. This variant is not present in population databases (gnomAD no frequency).

Color Diagnostics, LLC DBA Color Health
Classification: Uncertain significance for Hereditary cancer-predisposing syndrome. Last evaluated: 2019-05-31. Review status: criteria provided, single submitter. Criteria: ACMG Guidelines, 2015. Collection method: clinical testing. Allele origin: germline.

Quest Diagnostics Nichols Institute San Juan Capistrano
Classification: Uncertain significance. Last evaluated: 2018-04-27. Review status: criteria provided, single submitter. Criteria: Quest Diagnostics criteria. Collection method: clinical testing. Allele origin: germline.